The following is an entry in ClinVar:

NM_015909.4(NBAS):c.4958A>G (p.Lys1653Arg)

Gene: NBAS (NBAS subunit of NRZ tethering complex; minus strand). Cytogenetic location: 2p24.3.
Variant type: single nucleotide variant.
Coding change: c.4958A>G on transcript NM_015909.4 (MANE Select); coding-DNA position 4958, A replaced by G.
Protein change: p.Lys1653Arg; replaces lysine 1653 with arginine.
Molecular consequence: missense variant. On other transcripts: non-coding transcript variant (1).
Genome position (GRCh38, 1-based): chr2:15,292,606, T>C on the plus strand (A>G on the coding strand, the complement: NBAS is on the minus strand). VCF-style: chr2-15292606-T-C. GRCh37 (hg19) VCF-style: chr2-15432730-T-C.
Other names: c.4958A>G (NM_015909.2); short protein forms K1653R.
Identifiers: ClinVar variation 1375899 (VCV001375899.5), dbSNP rs373425659, ClinGen allele CA1535445.

ClinVar aggregate classification (germline): Uncertain significance. Review status: criteria provided, multiple submitters, no conflicts (2 of 4 stars). 2 submissions from 2 submitters: Uncertain significance (2). Last evaluated 2025-01-07.

Conditions:
Inborn genetic diseases. Identifiers: MedGen C0950123, MeSH D030342.

Allele frequency attached by ClinVar (database versions not stated): TOPMed 0.00005; gnomAD 0.00004; ExAC 0.00002; ESP Exome Variant Server 0.00008; gnomAD exomes 0.00001.
gnomAD v4.1: 16 of 1,614,080 alleles (0.00099%); highest among the groups gnomAD compares: Non-Finnish European, 0.0014%; no homozygotes.

Submissions (2):

Labcorp Genetics (formerly Invitae), Labcorp
Classification: Uncertain significance. Last evaluated: 2025-01-07. Review status: criteria provided, single submitter. Criteria: Invitae Variant Classification Sherloc (09022015). Collection method: clinical testing. Allele origin: germline.
Comment: This sequence change replaces lysine, which is basic and polar, with arginine, which is basic and polar, at codon 1653 of the NBAS protein (p.Lys1653Arg). This variant is present in population databases (rs373425659, gnomAD 0.003%). This variant has not been reported in the literature in individuals affected with NBAS-related conditions. ClinVar contains an entry for this variant (Variation ID: 1375899). Invitae Evidence Modeling of protein sequence and biophysical properties (such as structural, functional, and spatial information, amino acid conservation, physicochemical variation, residue mobility, and thermodynamic stability) indicates that this missense variant is not expected to disrupt NBAS protein function with a negative predictive value of 95%. In summary, the available evidence is currently insufficient to determine the role of this variant in disease. Therefore, it has been classified as a Variant of Uncertain Significance.

Ambry Genetics
Classification: Uncertain significance for Inborn genetic diseases. Last evaluated: 2021-08-23. Review status: criteria provided, single submitter. Criteria: Ambry Variant Classification Scheme 2023. Collection method: clinical testing. Allele origin: germline.